The following is an entry in ClinVar:

NM_018297.4(NGLY1):c.1347C>T (p.Thr449=)

Gene: NGLY1 (N-glycanase 1; minus strand). Cytogenetic location: 3p24.2.
Variant type: single nucleotide variant.
Coding change: c.1347C>T on transcript NM_018297.4 (MANE Select); coding-DNA position 1347, C replaced by T.
Protein change: p.Thr449=; no amino-acid change (threonine 449 retained).
Molecular consequence: synonymous variant.
Genome position (GRCh38, 1-based): chr3:25,732,397, G>A on the plus strand (C>T on the coding strand, the complement: NGLY1 is on the minus strand). VCF-style: chr3-25732397-G-A. GRCh37 (hg19) VCF-style: chr3-25773888-G-A.
Other names: c.1347C>T (NM_018297.3); c.1293C>T, p.Thr431= (NM_001145293.2); c.1221C>T, p.Thr407= (NM_001145294.2); c.1347C>T, p.Thr449= (NM_001145295.2).
Identifiers: ClinVar variation 1928197 (VCV001928197.6), dbSNP rs1237231332, ClinGen allele CA432842912.

ClinVar aggregate classification (germline): Likely benign. Review status: criteria provided, single submitter (1 of 4 stars). 2 submissions from 2 submitters: Likely benign (1). 1 of the submissions does not count toward it. Last evaluated 2024-08-13.

Conditions:
NGLY1-related disorder. Also called: NGLY1-related condition.
Congenital disorder of deglycosylation (CDDG). Identifiers: MedGen C3808991, MONDO:0031376.

Allele frequency attached by ClinVar (database versions not stated): gnomAD exomes 0.00001; TOPMed 0.00002; gnomAD 0.00003.
gnomAD v4.1: 22 of 1,613,642 alleles (0.0014%); highest among the groups gnomAD compares: Admixed American, 0.0017%; no homozygotes.

Submissions (2):

Labcorp Genetics (formerly Invitae), Labcorp
Classification: Likely benign for Congenital disorder of deglycosylation. Last evaluated: 2024-08-13. Review status: criteria provided, single submitter. Criteria: Invitae Variant Classification Sherloc (09022015). Collection method: clinical testing. Allele origin: germline.

PreventionGenetics, part of Exact Sciences
Classification: Likely benign for NGLY1-related condition. Last evaluated: 2024-06-05. Review status: no assertion criteria provided. Collection method: clinical testing. Allele origin: germline. Not counted in ClinVar's aggregate classification.
Comment: This variant is classified as likely benign based on ACMG/AMP sequence variant interpretation guidelines (Richards et al. 2015 PMID: 25741868, with internal and published modifications).